The following is an entry in ClinVar:

NM_001701.4(BAAT):c.951G>A (p.Gln317=)

Gene: BAAT (bile acid-CoA:amino acid N-acyltransferase; minus strand). Cytogenetic location: 9q31.1.
Variant type: single nucleotide variant.
Coding change: c.951G>A on transcript NM_001701.4 (MANE Select); coding-DNA position 951, G replaced by A.
Protein change: p.Gln317=; no amino-acid change (glutamine 317 retained).
Molecular consequence: synonymous variant.
Genome position (GRCh38, 1-based): chr9:101,362,734, C>T on the plus strand (G>A on the coding strand, the complement: BAAT is on the minus strand). VCF-style: chr9-101362734-C-T. GRCh37 (hg19) VCF-style: chr9-104125016-C-T.
Other names: c.951G>A, p.Gln317= (NM_001127610.2, NM_001374715.1).
Identifiers: ClinVar variation 197199 (VCV000197199.46), dbSNP rs61756326, ClinGen allele CA202743.
Genomic context (GRCh38, chr9:101,362,734, plus strand): 5'-AGCGTGTGCTTTGCTGTTGATAGTCTTATCACCTTCTCCTACAATGAAGAGGAATTGCCC[C>T]TGGGCCTCTTCAATAGGAAACAAATATTGACTGGCCCCAACTTGAGTTGTCTCAAAAGTG-3'
Protein context (NP_001692.1, residues 307-327): SQYLFPIEEA[Gln317=]GQFLFIVGEG

ClinVar aggregate classification (germline): Benign/Likely benign. Review status: criteria provided, multiple submitters, no conflicts (2 of 4 stars). 6 submissions from 6 submitters: Benign (3); Likely benign (3). Last evaluated 2025-12-15.

Conditions:
Hypercholanemia, familial 1 (FHCA1). Identifiers: Orphanet 238475, MedGen C5542604, MONDO:0031446, OMIM 607748.

Allele frequency attached by ClinVar (database versions not stated): 1000 Genomes Project 30x 0.00156; 1000 Genomes Project 0.00160; TOPMed 0.00366; gnomAD 0.00388 and 0.00395; gnomAD exomes 0.00413 and 0.00677; ESP Exome Variant Server 0.00431; ExAC 0.00469.
gnomAD v4.1: 10,389 of 1,614,218 alleles (0.64%); highest among the groups gnomAD compares: Non-Finnish European, 0.81%; 48 homozygotes.

Submissions (6):

Labcorp Genetics (formerly Invitae), Labcorp
Classification: Benign. Last evaluated: 2025-12-15. Review status: criteria provided, single submitter. Criteria: Invitae Variant Classification Sherloc (09022015). Collection method: clinical testing. Allele origin: germline.

CeGaT Center for Human Genetics Tuebingen
Classification: Likely benign. Last evaluated: 2025-12-01. Review status: criteria provided, single submitter. Criteria: CeGaT Center For Human Genetics Tuebingen Variant Classification Criteria Version 2. Collection method: clinical testing. Allele origin: germline. Affected: yes. Observed: 6 variant alleles.
Comment: BAAT: BP4, BP7, BS2

Blueprint Genetics
Classification: Likely benign. Last evaluated: 2024-11-25. Review status: criteria provided, single submitter. Criteria: ACMG Guidelines, 2015. Collection method: clinical testing. Allele origin: germline.

Illumina Laboratory Services, Illumina
Classification: Likely benign for Hypercholanemia, familial 1. Last evaluated: 2018-01-12. Review status: criteria provided, single submitter. Criteria: ICSL Variant Classification Criteria 13 December 2019. Collection method: clinical testing. Allele origin: germline.
Comment: This variant was observed in the ICSL laboratory as part of a predisposition screen in an ostensibly healthy population. It had not been previously curated by ICSL or reported in the Human Gene Mutation Database (HGMD: prior to June 1st, 2018), and was therefore a candidate for classification through an automated scoring system. Utilizing variant allele frequency, disease prevalence and penetrance estimates, and inheritance mode, an automated score was calculated to assess if this variant is too frequent to cause the disease. Based on the score and internal cut-off values, a variant classified as likely benign is not then subjected to further curation. The score for this variant resulted in a classification of likely benign for this disease.

Eurofins Ntd Llc (ga)
Classification: Benign. Last evaluated: 2015-05-08. Review status: criteria provided, single submitter. Criteria: EGL Classification Definitions 2015. Collection method: clinical testing. Allele origin: germline. Observed: 1 variant allele, 1 heterozygote.

PreventionGenetics, part of Exact Sciences
Classification: Benign. Review status: criteria provided, single submitter. Criteria: ACMG Guidelines, 2015. Collection method: clinical testing. Allele origin: germline.